The following is an entry in ClinVar:

ClinVar aggregate classification (germline): Uncertain significance. Review status: criteria provided, multiple submitters, no conflicts (2 of 4 stars). 4 submissions from 4 submitters: Uncertain significance (4). Last evaluated 2026-09-16.

Conditions:
Autosomal dominant childhood-onset proximal spinal muscular atrophy with contractures (SMALED2A). Also called: SPINAL MUSCULAR ATROPHY, LOWER EXTREMITY-PREDOMINANT, 2A, CHILDHOOD ONSET, AUTOSOMAL DOMINANT; Spinal muscular atrophy, lower extremity-predominant, 2A, autosomal dominant. Identifiers: Orphanet 363447, Orphanet 363454, MedGen C4747715, MONDO:0014121, OMIM 615290.
BICD2-related disorder. Also called: BICD2-related condition.

Allele frequency attached by ClinVar (database versions not stated): gnomAD 0.00001; TOPMed 0.00002.
gnomAD v4.1: 6 of 1,611,996 alleles (0.00037%); highest among the groups gnomAD compares: Non-Finnish European, 0.00051%; no homozygotes.

Submissions (4):

PreventionGenetics, part of Exact Sciences
Classification: Uncertain significance for BICD2-related condition. Last evaluated: 2026-09-16. Review status: criteria provided, single submitter. Criteria: ACMG Guidelines, 2015. Collection method: clinical testing. Allele origin: germline.
Comment: The BICD2 c.1502G>A variant is predicted to result in the amino acid substitution p.Arg501Gln. To our knowledge, this variant has not been reported in the literature or in the population database, indicating this variant is rare. Another variant affecting the same amino acid, c.1502G>C, p.(Arg501Pro), has been reported in individuals with spinal muscular atrophy, hereditary spastic paraplegia, and/or other musculoskeletal features (Oates et al. 2013. PubMed ID: 23664120; Table S1, Westra et al. 2019. PubMed ID: 31127727). At this time, the clinical significance of this p.Arg501Gln variant is uncertain due to the absence of conclusive functional and genetic evidence.

Revvity Omics, Revvity
Classification: Uncertain significance. Last evaluated: 2023-11-03. Review status: criteria provided, single submitter. Criteria: ACMG Guidelines, 2015. Collection method: clinical testing. Allele origin: germline.

3billion
Classification: Uncertain significance for Autosomal dominant childhood-onset proximal spinal muscular atrophy with contractures. Last evaluated: 2023-06-01. Review status: criteria provided, single submitter. Criteria: ACMG Guidelines, 2015. Collection method: clinical testing. Allele origin: germline. Affected: yes.
Comment: The variant is not observed in the gnomAD v2.1.1 dataset. Predicted Consequence/Location: Missense changes are a common disease-causing mechanism. In silico tool predictions suggest no damaging effect of the variant on gene or gene product (REVEL: 0.03; 3Cnet: 0.04). A different missense change at the same codon (p.Arg501Pro) has been reported to be associated with BICD2 related disorder (ClinVar ID: VCV000055862 /PMID: 23664120). However the evidence of pathogenicity is insufficient at this time. Therefore, this variant is classified as VUS according to the recommendation of ACMG/AMP guideline.

Labcorp Genetics (formerly Invitae), Labcorp
Classification: Uncertain significance for Autosomal dominant childhood-onset proximal spinal muscular atrophy with contractures. Last evaluated: 2023-03-07. Review status: criteria provided, single submitter. Criteria: Invitae Variant Classification Sherloc (09022015). Collection method: clinical testing. Allele origin: germline.
Comment: This variant has not been reported in the literature in individuals affected with BICD2-related conditions. In summary, the available evidence is currently insufficient to determine the role of this variant in disease. Therefore, it has been classified as a Variant of Uncertain Significance. This variant disrupts the p.Arg501 amino acid residue in BICD2. Other variant(s) that disrupt this residue have been determined to be pathogenic (PMID: 23664120, 25497877). This suggests that this residue is clinically significant, and that variants that disrupt this residue are likely to be disease-causing. Advanced modeling of protein sequence and biophysical properties (such as structural, functional, and spatial information, amino acid conservation, physicochemical variation, residue mobility, and thermodynamic stability) performed at Invitae indicates that this missense variant is not expected to disrupt BICD2 protein function. ClinVar contains an entry for this variant (Variation ID: 863124). This variant is not present in population databases (gnomAD no frequency). This sequence change replaces arginine, which is basic and polar, with glutamine, which is neutral and polar, at codon 501 of the BICD2 protein (p.Arg501Gln).

Literature cited by the submitters: PubMed 23664120 (cited by 3billion and Labcorp Genetics (formerly Invitae), Labcorp); PubMed 25497877 (cited by Labcorp Genetics (formerly Invitae), Labcorp).

NM_001003800.2(BICD2):c.1502G>A (p.Arg501Gln)

Gene: BICD2 (BICD cargo adaptor 2; minus strand). Cytogenetic location: 9q22.31.
Variant type: single nucleotide variant.
Coding change: c.1502G>A on transcript NM_001003800.2 (MANE Select); coding-DNA position 1502, G replaced by A.
Protein change: p.Arg501Gln; replaces arginine 501 with glutamine.
Molecular consequence: missense variant.
Genome position (GRCh38, 1-based): chr9:92,719,143, C>T on the plus strand (G>A on the coding strand, the complement: BICD2 is on the minus strand). VCF-style: chr9-92719143-C-T. GRCh37 (hg19) VCF-style: chr9-95481425-C-T.
Other names: c.1502G>A, p.Arg501Gln (NM_015250.4); short protein forms R501Q.
Identifiers: ClinVar variation 863124 (VCV000863124.13), dbSNP rs398123032, ClinGen allele CA374037712.